The following is an entry in ClinVar:

ClinVar aggregate classification (germline): Likely pathogenic (1 of 4 stars; one submission).

Conditions:
Familial thoracic aortic aneurysm and aortic dissection (TAAD). Also called: Thoracic aortic aneurysms and dissections. Identifiers: Orphanet 91387, MedGen C4707243, MONDO:0019625.
Marfan syndrome (MFS). Also called: MARFAN SYNDROME, TYPE I; Marfan syndrome type 1; Marfan's syndrome; Marfan syndrome, classic; FBN1-Related Marfan Syndrome. Identifiers: Orphanet 284963, Orphanet 558, MedGen C0024796, MONDO:0007947, OMIM 154700.

Allele frequency attached by ClinVar (database versions not stated): gnomAD 0.00001.
gnomAD v4.1: 1 of 1,613,898 alleles (0.000062%); highest among the groups gnomAD compares: Admixed American, 0.0017%; no homozygotes.

Submission:

Labcorp Genetics (formerly Invitae), Labcorp
Classification: Likely pathogenic for Marfan syndrome; Familial thoracic aortic aneurysm and aortic dissection. Last evaluated: 2022-09-06. Review status: criteria provided, single submitter. Criteria: Invitae Variant Classification Sherloc (09022015). Collection method: clinical testing. Allele origin: germline.
Comment: This variant disrupts the p.Arg1530 amino acid residue in FBN1. Other variant(s) that disrupt this residue have been determined to be pathogenic (PMID: 14695540, 17253931, 17627385, 19863550). This suggests that this residue is clinically significant, and that variants that disrupt this residue are likely to be disease-causing. In summary, the currently available evidence indicates that the variant is pathogenic, but additional data are needed to prove that conclusively. Therefore, this variant has been classified as Likely Pathogenic. This sequence change replaces arginine, which is basic and polar, with leucine, which is neutral and non-polar, at codon 1530 of the FBN1 protein (p.Arg1530Leu). This variant is not present in population databases (gnomAD no frequency). This missense change has been observed in individual(s) with clinical features of Marfan syndrome (Invitae). Advanced modeling of protein sequence and biophysical properties (such as structural, functional, and spatial information, amino acid conservation, physicochemical variation, residue mobility, and thermodynamic stability) performed at Invitae indicates that this missense variant is expected to disrupt FBN1 protein function.

Literature cited by the submitters: PubMed 14695540; PubMed 17253931; PubMed 17627385; PubMed 19863550.

NM_000138.5(FBN1):c.4589G>T (p.Arg1530Leu)

Gene: FBN1 (fibrillin 1; minus strand). Cytogenetic location: 15q21.1.
Variant type: single nucleotide variant.
Coding change: c.4589G>T on transcript NM_000138.5 (MANE Select); coding-DNA position 4589, G replaced by T.
Protein change: p.Arg1530Leu; replaces arginine 1530 with leucine.
Molecular consequence: missense variant.
Genome position (GRCh38, 1-based): chr15:48,468,096, C>A on the plus strand (G>T on the coding strand, the complement: FBN1 is on the minus strand). VCF-style: chr15-48468096-C-A. GRCh37 (hg19) VCF-style: chr15-48760293-C-A.
Other names: c.4589G>T, p.Arg1530Leu (NM_001406716.1); short protein forms R1530L.
Identifiers: ClinVar variation 2134989 (VCV002134989.4), dbSNP rs778710767, ClinGen allele CA392353176.